The following is an entry in ClinVar:

NM_006506.5(RASA2):c.438T>G (p.Asn146Lys)

Gene: RASA2 (RAS p21 protein activator 2; plus strand). Cytogenetic location: 3q23.
Variant type: single nucleotide variant.
Coding change: c.438T>G on transcript NM_006506.5 (MANE Select); coding-DNA position 438, T replaced by G.
Protein change: p.Asn146Lys; replaces asparagine 146 with lysine.
Molecular consequence: missense variant.
Genome position (GRCh38, 1-based): chr3:141,529,790, T>G. VCF-style: chr3-141529790-T-G. GRCh37 (hg19) VCF-style: chr3-141248632-T-G.
Other names: c.438T>G, p.Asn146Lys (NM_001303245.3, NM_001303246.3); short protein forms N146K.
Identifiers: ClinVar variation 2633085 (VCV002633085.1), dbSNP rs2478525349, ClinGen allele CA354772182.

ClinVar aggregate classification (germline): Uncertain significance (1 of 4 stars; one submission).

Conditions:
RASA2-related disorder. Also called: RASA2-related condition.

Submission:

PreventionGenetics, part of Exact Sciences
Classification: Uncertain significance for RASA2-related condition. Last evaluated: 2023-04-27. Review status: criteria provided, single submitter. Criteria: ACMG Guidelines, 2015. Collection method: clinical testing. Allele origin: germline.
Comment: The RASA2 c.438T>G variant is predicted to result in the amino acid substitution p.Asn146Lys. To our knowledge, this variant has not been reported in the literature or in a large population database, indicating this variant is rare. At this time, the clinical significance of this variant is uncertain due to the absence of conclusive functional and genetic evidence.